The following is an entry in ClinVar:

ClinVar aggregate classification (germline): Uncertain significance (1 of 4 stars; one submission).

Conditions:
Congenital heart defects and skeletal malformations syndrome. Identifiers: Orphanet 643503, MedGen C4539857, MONDO:0060532, OMIM 617602.

Submission:

3billion
Classification: Uncertain significance for Congenital heart defects and skeletal malformations syndrome. Last evaluated: 2023-12-18. Review status: criteria provided, single submitter. Criteria: ACMG Guidelines, 2015. Collection method: clinical testing. Allele origin: germline. Affected: yes.
Comment: The variant is not observed in the gnomAD v2.1.1 dataset. Predicted Consequence/Location: Missense variant In silico tool predictions suggest damaging effect of the variant on gene or gene product [REVEL: 0.64 (>=0.6, sensitivity 0.68 and specificity 0.92); 3Cnet: 0.99 (>=0.6, sensitivity 0.72 and precision 0.9)]. Same nucleotide change resulting in same amino acid change has been previously reported to be associated with ABL1 related disorder (ClinVar ID: VCV001320190 /3billion dataset). However, the evidence of pathogenicity is insufficient at this time. Therefore, this variant is classified as VUS according to the recommendation of ACMG/AMP guideline.

NM_005157.6(ABL1):c.1190C>T (p.Ala397Val)

Gene: ABL1 (ABL proto-oncogene 1, non-receptor tyrosine kinase; plus strand). Cytogenetic location: 9q34.12.
Variant type: single nucleotide variant.
Coding change: c.1190C>T on transcript NM_005157.6 (MANE Select); coding-DNA position 1190, C replaced by T.
Protein change: p.Ala397Val; replaces alanine 397 with valine.
Molecular consequence: missense variant.
Genome position (GRCh38, 1-based): chr9:130,874,972, C>T. VCF-style: chr9-130874972-C-T. GRCh37 (hg19) VCF-style: chr9-133750359-C-T.
Other names: c.1247C>T, p.Ala416Val (NM_007313.3); short protein forms A397V, A416V.
Identifiers: ClinVar variation 1320190 (VCV001320190.2), dbSNP rs2133003469, ClinGen allele CA375249978.
Genomic context (GRCh38, chr9:130,874,972, plus strand): 5'-TGAAGGTAGCTGATTTTGGCCTGAGCAGGTTGATGACAGGGGACACCTACACAGCCCATG[C>T]TGGAGCCAAGTTCCCCATCAAATGGACTGCACCCGAGAGCCTGGCCTACAACAAGTTCTC-3'
Protein context (NP_005148.2, residues 387-407): LMTGDTYTAH[Ala397Val]GAKFPIKWTA